The following is an entry in ClinVar:

ClinVar aggregate classification (germline): Benign/Likely benign. Review status: criteria provided, multiple submitters, no conflicts (2 of 4 stars). 5 submissions from 5 submitters: Benign (1); Likely benign (3). 1 of the submissions does not count toward it. Last evaluated 2026-01-27.

Conditions:
COL11A2-related disorder. Also called: COL11A2-related condition; COL11A2-related disorders.

Allele frequency attached by ClinVar (database versions not stated): gnomAD exomes 0.00008 and 0.00027; ExAC 0.00039; gnomAD 0.00074 and 0.00083; ESP Exome Variant Server 0.00095; TOPMed 0.00108; 1000 Genomes Project 0.00140; 1000 Genomes Project 30x 0.00141.
gnomAD v4.1: 261 of 1,613,048 alleles (0.016%); highest among the groups gnomAD compares: African/African-American, 0.24%; no homozygotes.

Submissions (5):

Labcorp Genetics (formerly Invitae), Labcorp
Classification: Benign. Last evaluated: 2026-01-27. Review status: criteria provided, single submitter. Criteria: Invitae Variant Classification Sherloc (09022015). Collection method: clinical testing. Allele origin: germline.

Blueprint Genetics
Classification: Likely benign. Last evaluated: 2024-06-18. Review status: criteria provided, single submitter. Criteria: ACMG Guidelines, 2015. Collection method: clinical testing. Allele origin: germline.

GeneDx
Classification: Likely benign. Last evaluated: 2021-03-24. Review status: criteria provided, single submitter. Criteria: GeneDx Variant Classification Process June 2021. Collection method: clinical testing. Allele origin: germline. Affected: yes.

Laboratory for Molecular Medicine, Mass General Brigham Personalized Medicine
Classification: Likely benign. Last evaluated: 2017-02-28. Review status: criteria provided, single submitter. Criteria: LMM Criteria. Collection method: clinical testing. Allele origin: germline. Observed: 1 variant allele.
Comment: p.Ala1720Ala in Exon 66 of COL11A2: This variant is not expected to have clinica l significance because it does not alter an amino acid residue, is not located w ithin the splice consensus sequence and it has been identified in 0.3% (26/9152) of African chromosomes by the Exome Aggregation Consortium (ExAC; dbSNP rs139647701).

PreventionGenetics, part of Exact Sciences
Classification: Likely benign for COL11A2-related condition. Last evaluated: 2021-01-28. Review status: no assertion criteria provided. Collection method: clinical testing. Allele origin: germline. Not counted in ClinVar's aggregate classification.
Comment: This variant is classified as likely benign based on ACMG/AMP sequence variant interpretation guidelines (Richards et al. 2015 PMID: 25741868, with internal and published modifications).

NM_080680.3(COL11A2):c.5160C>G (p.Ala1720=)

Gene: COL11A2 (collagen type XI alpha 2 chain; minus strand). Cytogenetic location: 6p21.32.
Variant type: single nucleotide variant.
Coding change: c.5160C>G on transcript NM_080680.3 (MANE Select); coding-DNA position 5160, C replaced by G.
Protein change: p.Ala1720=; no amino-acid change (alanine 1720 retained).
Molecular consequence: synonymous variant.
Genome position (GRCh38, 1-based): chr6:33,163,729, G>C on the plus strand (C>G on the coding strand, the complement: COL11A2 is on the minus strand). VCF-style: chr6-33163729-G-C. GRCh37 (hg19) VCF-style: chr6-33131506-G-C.
Other names: c.4839C>G, p.Ala1613= (NM_080679.3); c.4902C>G, p.Ala1634= (NM_080681.3).
Identifiers: ClinVar variation 391882 (VCV000391882.16), dbSNP rs139647701, ClinGen allele CA3749898.